The following is an entry in ClinVar:

ClinVar aggregate classification (germline): Uncertain significance (1 of 4 stars; one submission).

Conditions:
Regional enteritis. Also called: Enteritis, Granulomatous. Identifiers: MedGen C0678202, MeSH D003424.
Blau syndrome (BLAUS). Also called: ARTHROCUTANEOUVEAL GRANULOMATOSIS; GRANULOMATOSIS, FAMILIAL JUVENILE SYSTEMIC; GRANULOMATOSIS, FAMILIAL, BLAU TYPE; GRANULOMATOUS INFLAMMATORY ARTHRITIS, DERMATITIS, AND UVEITIS, FAMILIAL; JABS SYNDROME. Identifiers: Orphanet 90340, MedGen C5201146, MONDO:0008523, OMIM 186580.

Allele frequency attached by ClinVar (database versions not stated): ExAC 0.00001; gnomAD 0.00001; TOPMed 0.00001; ESP Exome Variant Server 0.00008.

Submission:

Labcorp Genetics (formerly Invitae), Labcorp
Classification: Uncertain significance for Regional enteritis; Blau syndrome. Last evaluated: 2023-06-21. Review status: criteria provided, single submitter. Criteria: Invitae Variant Classification Sherloc (09022015). Collection method: clinical testing. Allele origin: germline.
Comment: This sequence change creates a premature translational stop signal (p.Leu153Hisfs*14) in the NOD2 gene. It is expected to result in an absent or disrupted protein product. However, the current clinical and genetic evidence is not sufficient to establish whether loss-of-function variants in NOD2 cause disease. This variant is present in population databases (rs761486886, gnomAD 0.007%). This variant has not been reported in the literature in individuals affected with NOD2-related conditions. In summary, the available evidence is currently insufficient to determine the role of this variant in disease. Therefore, it has been classified as a Variant of Uncertain Significance.

NM_001370466.1(NOD2):c.376_377insA (p.Leu126fs)

Gene: NOD2 (nucleotide binding oligomerization domain containing 2; plus strand). Cytogenetic location: 16q12.1.
Variant type: Insertion.
Coding change: c.376_377insA on transcript NM_001370466.1 (MANE Select); coding-DNA positions 376 to 377, A inserted.
Protein change: p.Leu126fs; shifts the reading frame from leucine 126.
Molecular consequence: frameshift variant. On other transcripts: non-coding transcript variant (1).
Genome position: GRCh38 VCF-style: chr16-50699871-C-CA. GRCh37 (hg19) VCF-style: chr16-50733782-C-CA.
Other names: c.376_377insA, p.Leu126fs (NM_001293557.2); c.457_458insA, p.Leu153fs (NM_022162.3); short protein forms L126fs, L153fs.
Identifiers: ClinVar variation 2933204 (VCV002933204.3), dbSNP rs761486886, ClinGen allele CA8051280.